The following is an entry in ClinVar:

NM_002317.7(LOX):c.1131+1_1131+6del

Genes: LOX (lysyl oxidase; minus strand), SRFBP1 (serum response factor binding protein 1; plus strand). Cytogenetic location: 5q23.1.
Variant type: Deletion.
Coding change: c.1131+1_1131+6del on transcript NM_002317.7 (MANE Select); the canonical splice donor site of the intron after coding-DNA position 1131 through 6 bases into the intron after coding-DNA position 1131, 6 bases deleted (GTAAAG; older notation c.1131+1_1131+6delGTAAAG).
Molecular consequence: splice donor variant.
Genome position (GRCh38, 1-based): chr5:122,070,488-122,070,493, CTTTAC deleted on the plus strand (GTAAAG on the coding strand, the reverse complement: LOX is on the minus strand); deleting any 6 consecutive bases within chr5:122,070,488-122,070,498 gives the same sequence; the c. name uses the placement nearest the transcript's 3' end. VCF-style (leftmost placement, unchanged base first): chr5-122070487-TCTTTAC-T. GRCh37 (hg19) VCF-style: chr5-121406182-TCTTTAC-T.
Other names: c.441+1_441+6del (NM_001178102.2); c.240+1_240+6del (NM_001317073.1).
Identifiers: ClinVar variation 424133 (VCV000424133.17), dbSNP rs1064796814, ClinGen allele CA16618096.
Genomic context (GRCh38, chr5:122,070,487, plus strand): 5'-TGAATCCAGAGAAGAGGGCCTATTGATCTGCAATATCAATATATGATATATTTTCAAAGG[TCTTTAC>T]CTTTAGGATATAGTTTCCAGGTTTTACATCTGTAATATCAATCCACTGGCAGTCTATGTC-3'

ClinVar aggregate classification (germline): Pathogenic/Likely pathogenic. Review status: criteria provided, multiple submitters, no conflicts (2 of 4 stars). 2 submissions from 2 submitters: Pathogenic (1); Likely pathogenic (1). Last evaluated 2025-10-30.

Submissions (2):

GeneDx
Classification: Pathogenic. Last evaluated: 2025-10-30. Review status: criteria provided, single submitter. Criteria: GeneDx Variant Classification Process June 2021. Collection method: clinical testing. Allele origin: germline. Affected: yes.
Comment: Has not been previously published as pathogenic or benign to our knowledge; Not observed at significant frequency in large population cohorts (gnomAD); Canonical splice site variant predicted to result in an in-frame loss of the adjacent exon in a gene for which loss of function is a known mechanism of disease

Labcorp Genetics (formerly Invitae), Labcorp
Classification: Likely pathogenic. Last evaluated: 2025-07-22. Review status: criteria provided, single submitter. Criteria: Invitae Variant Classification Sherloc (09022015). Collection method: clinical testing. Allele origin: germline.
Comment: This sequence change affects a splice site in intron 5 of the LOX gene. It is expected to disrupt RNA splicing. Variants that disrupt the donor or acceptor splice site typically lead to a loss of protein function (PMID: 16199547), and loss-of-function variants in LOX are known to be pathogenic (PMID: 12417550, 26838787, 27432961). This variant is not present in population databases (gnomAD no frequency). This variant has not been reported in the literature in individuals affected with LOX-related conditions. ClinVar contains an entry for this variant (Variation ID: 424133). Algorithms developed to predict the effect of sequence changes on RNA splicing suggest that this variant may disrupt the consensus splice site. In summary, the currently available evidence indicates that the variant is pathogenic, but additional data are needed to prove that conclusively. Therefore, this variant has been classified as Likely Pathogenic.

Literature cited by the submitters: PubMed 16199547 (cited by Labcorp Genetics (formerly Invitae), Labcorp); PubMed 12417550 (cited by Labcorp Genetics (formerly Invitae), Labcorp); PubMed 26838787 (cited by Labcorp Genetics (formerly Invitae), Labcorp); PubMed 27432961 (cited by Labcorp Genetics (formerly Invitae), Labcorp).